The following is an entry in ClinVar:

ClinVar aggregate classification (germline): Uncertain significance (1 of 4 stars; one submission).

Conditions:
Left ventricular noncompaction 1 (LVNC1). Also called: LEFT VENTRICULAR NONCOMPACTION 1 WITH OR WITHOUT CONGENITAL HEART DEFECTS. Identifiers: Orphanet 54260, MedGen C1858725, MONDO:0011403, OMIM 604169.

Submission:

Labcorp Genetics (formerly Invitae), Labcorp
Classification: Uncertain significance for Left ventricular noncompaction 1. Last evaluated: 2022-02-27. Review status: criteria provided, single submitter. Criteria: Invitae Variant Classification Sherloc (09022015). Collection method: clinical testing. Allele origin: germline.
Comment: In summary, the available evidence is currently insufficient to determine the role of this variant in disease. Therefore, it has been classified as a Variant of Uncertain Significance. This variant has not been reported in the literature in individuals affected with DTNA-related conditions. This variant is not present in population databases (gnomAD no frequency). This sequence change creates a premature translational stop signal (p.Tyr680Thrfs*49) in the DTNA gene. It is expected to result in an absent or disrupted protein product. However, the current clinical and genetic evidence is not sufficient to establish whether loss-of-function variants in DTNA cause disease.

NM_001386795.1(DTNA):c.2115del (p.Tyr707fs)

Gene: DTNA (dystrobrevin alpha; plus strand). Cytogenetic location: 18q12.1.
Variant type: Deletion.
Coding change: c.2115del on transcript NM_001386795.1 (MANE Select); coding-DNA position 2115, one base deleted (T; older notation c.2115delT).
Protein change: p.Tyr707fs; shifts the reading frame from tyrosine 707.
Molecular consequence: frameshift variant.
Genome position (GRCh38, 1-based): chr18:34,879,672, T deleted. VCF-style (leftmost placement, unchanged base first): chr18-34879671-CT-C. GRCh37 (hg19) VCF-style: chr18-32459635-CT-C.
Other names: c.1854del, p.Tyr620fs (NM_001198938.2, NM_001198940.2, NM_001386753.1 and 5 more transcripts); c.1875del, p.Tyr627fs (NM_001198939.2); c.1161del, p.Tyr389fs (NM_001198942.1); c.1104del, p.Tyr370fs (NM_001198943.1); c.990del, p.Tyr332fs (NM_001198944.1); c.1944del, p.Tyr650fs (NM_001386754.1, NM_001386755.1, NM_001386756.1 and 3 more transcripts); c.1941del, p.Tyr649fs (NM_001386760.1); c.1863del, p.Tyr623fs (NM_001386761.1, NM_032975.4); and 5 more; short protein forms Y620fs, Y627fs, Y707fs, Y332fs, Y389fs, Y650fs, Y623fs, Y649fs.
Identifiers: ClinVar variation 2103784 (VCV002103784.4), dbSNP rs2096853021, ClinGen allele CA2295377419.